The following is an entry in ClinVar:

NM_152564.5(VPS13B):c.9280del (p.Ile3094fs)

Gene: VPS13B (vacuolar protein sorting 13 homolog B; plus strand). Cytogenetic location: 8q22.2.
Variant type: Deletion.
Coding change: c.9280del on transcript NM_152564.5 (MANE Select); coding-DNA position 9280, one base deleted (A; older notation c.9280delA).
Protein change: p.Ile3094fs; shifts the reading frame from isoleucine 3094.
Molecular consequence: frameshift variant.
Genome position (GRCh38, 1-based): chr8:99,823,928, A deleted; the last of 3 consecutive A bases (chr8:99,823,926-99,823,928); deleting any one gives the same sequence. VCF-style (leftmost placement, unchanged base first): chr8-99823925-CA-C. GRCh37 (hg19) VCF-style: chr8-100836153-CA-C.
Other names: c.9355del, p.Ile3119fs (NM_017890.5); short protein forms I3094fs, I3119fs.
Identifiers: ClinVar variation 2901486 (VCV002901486.3), dbSNP rs2492027730, ClinGen allele CA2739268883.

ClinVar aggregate classification (germline): Pathogenic (1 of 4 stars; one submission).

Conditions:
Cohen syndrome (COH1). Also called: Cutis verticis gyrata, retinitis pigmentosa, and sensorineural deafness; PEPPER SYNDROME. Identifiers: Orphanet 193, MedGen C0265223, MONDO:0008999, OMIM 216550.

Submission:

Labcorp Genetics (formerly Invitae), Labcorp
Classification: Pathogenic for Cohen syndrome. Last evaluated: 2025-02-04. Review status: criteria provided, single submitter. Criteria: Invitae Variant Classification Sherloc (09022015). Collection method: clinical testing. Allele origin: germline.
Comment: This sequence change creates a premature translational stop signal (p.Ile3119Tyrfs*38) in the VPS13B gene. It is expected to result in an absent or disrupted protein product. Loss-of-function variants in VPS13B are known to be pathogenic (PMID: 15141358, 16648375, 20461111). This variant is not present in population databases (gnomAD no frequency). This variant has not been reported in the literature in individuals affected with VPS13B-related conditions. ClinVar contains an entry for this variant (Variation ID: 2901486). For these reasons, this variant has been classified as Pathogenic.

Literature cited by the submitters: PubMed 15141358; PubMed 16648375; PubMed 20461111.